The following is an entry in ClinVar:

ClinVar aggregate classification (germline): Uncertain significance. Review status: criteria provided, multiple submitters, no conflicts (2 of 4 stars). 2 submissions from 2 submitters: Uncertain significance (2). Last evaluated 2024-10-16.

Conditions:
Joubert syndrome 33. Identifiers: MedGen C4540389, MONDO:0033311, OMIM 617767.
Inborn genetic diseases. Identifiers: MedGen C0950123, MeSH D030342.

gnomAD v4.1: 1 of 1,604,372 alleles (0.000062%); highest among the groups gnomAD compares: Admixed American, 0.0017%; no homozygotes.

Submissions (2):

Ambry Genetics
Classification: Uncertain significance for Inborn genetic diseases. Last evaluated: 2024-10-16. Review status: criteria provided, single submitter. Criteria: Ambry Variant Classification Scheme 2023. Collection method: clinical testing. Allele origin: germline.

Laboratorio de Genetica e Diagnostico Molecular, Hospital Israelita Albert Einstein
Classification: Uncertain significance for Joubert syndrome 33. Last evaluated: 2024-04-26. Review status: criteria provided, single submitter. Criteria: ACMG Guidelines, 2015. Collection method: clinical testing. Allele origin: germline. Affected: yes.
Comment: ACMG classification criteria: PM2 supporting, BP4 supporting

NM_006346.4(PIBF1):c.875A>G (p.His292Arg)

Gene: PIBF1 (progesterone immunomodulatory binding factor 1; plus strand). Cytogenetic location: 13q22.1.
Variant type: single nucleotide variant.
Coding change: c.875A>G on transcript NM_006346.4 (MANE Select); coding-DNA position 875, A replaced by G.
Protein change: p.His292Arg; replaces histidine 292 with arginine.
Molecular consequence: missense variant. On other transcripts: non-coding transcript variant (2).
Genome position (GRCh38, 1-based): chr13:72,827,078, A>G. VCF-style: chr13-72827078-A-G. GRCh37 (hg19) VCF-style: chr13-73401216-A-G.
Other names: c.875A>G, p.His292Arg (NM_001349655.2); short protein forms H292R.
Identifiers: ClinVar variation 3418145 (VCV003418145.2).
Genomic context (GRCh38, chr13:72,827,078, plus strand): 5'-ATGCACTTGAACAGGAAGTAATTGAGCTTAGGAGAAAACATGAAATACTTGAAGCCTCTC[A>G]CATGATTCAAACAAAAGAACGAAGTGAATTATCAAAAGAGGTAAGCTTATAATTAGAGTC-3'
Protein context (NP_006337.2, residues 282-302): RRKHEILEAS[His292Arg]MIQTKERSEL